The following is an entry in ClinVar:

NM_016507.4(CDK12):c.109C>G (p.Arg37Gly)

Genes: CDK12 (cyclin dependent kinase 12; plus strand), LOC126862553 (CDK7 strongly-dependent group 2 enhancer GRCh37_chr17:37618166-37619365; plus strand). Cytogenetic location: 17q12.
Variant type: single nucleotide variant.
Coding change: c.109C>G on transcript NM_016507.4 (MANE Select); coding-DNA position 109, C replaced by G.
Protein change: p.Arg37Gly; replaces arginine 37 with glycine.
Molecular consequence: missense variant.
Genome position (GRCh38, 1-based): chr17:39,462,180, C>G. VCF-style: chr17-39462180-C-G. GRCh37 (hg19) VCF-style: chr17-37618433-C-G.
Other names: c.109C>G, p.Arg37Gly (NM_015083.4); short protein forms R37G.
Identifiers: ClinVar variation 4651348 (VCV004651348.1).
Genomic context (GRCh38, chr17:39,462,180, plus strand): 5'-GCTTCTGGAACTTTGCAGCCGTCATCGGGAGGCGGCAGCTCTAACAGCAGAGAGCGTCAC[C>G]GCTTGGTATCGAAGCACAAGCGGCATAAGTCCAAACACTCCAAAGACATGGGGTTGGTGA-3'
Protein context (NP_057591.2, residues 27-47): GGSSNSRERH[Arg37Gly]LVSKHKRHKS

ClinVar aggregate classification (germline): Uncertain significance (1 of 4 stars; one submission).

gnomAD v4.1: 3 of 1,614,202 alleles (0.00019%); highest among the groups gnomAD compares: Admixed American, 0.0017%; no homozygotes.

Submission:

Ambry Genetics
Classification: Uncertain significance. Last evaluated: 2025-10-02. Review status: criteria provided, single submitter. Criteria: Ambry Variant Classification Scheme 2023. Collection method: clinical testing. Allele origin: germline.
Comment: The p.R37G variant (also known as c.109C>G), located in coding exon 1 of the CDK12 gene, results from a C to G substitution at nucleotide position 109. The arginine at codon 37 is replaced by glycine, an amino acid with dissimilar properties. This amino acid position is conserved. In addition, this alteration is predicted to be tolerated by in silico analysis. Based on the available evidence, the clinical significance of this variant remains unclear.